The following is an entry in ClinVar:

ClinVar aggregate classification (germline): Pathogenic. Review status: reviewed by expert panel (3 of 4 stars). 2 submissions from 2 submitters: Pathogenic (1). 1 of the submissions does not count toward it. Last evaluated 2016-10-18.

Conditions:
Breast-ovarian cancer, familial, susceptibility to, 1 (BROVCA1). Also called: BRCA1 Hereditary Breast and Ovarian Cancer; OVARIAN CANCER, SUSCEPTIBILITY TO. Identifiers: Orphanet 145, MedGen C2676676, MONDO:0011450, OMIM 604370. Disease mechanism: loss of function.

Submissions (2):

Evidence-based Network for the Interpretation of Germline Mutant Alleles (ENIGMA)
Classification: Pathogenic for Breast-ovarian cancer, familial, susceptibility to, 1. Last evaluated: 2016-10-18. Review status: reviewed by expert panel. Criteria: ENIGMA BRCA1/2 Classification Criteria (2015). Collection method: curation. Allele origin: germline.
Comment: Variant allele predicted to encode a truncated non-functional protein.

Consortium of Investigators of Modifiers of BRCA1/2 (CIMBA), c/o University of Cambridge
Classification: Pathogenic for Breast-ovarian cancer, familial, susceptibility to, 1. Last evaluated: 2015-10-02. Review status: criteria provided, single submitter. Criteria: CIMBA Mutation Classification guidelines May 2016. Collection method: clinical testing. Allele origin: germline. Not counted in ClinVar's aggregate classification.

NM_007294.4(BRCA1):c.1016_1017insC (p.Lys339fs)

Gene: BRCA1 (BRCA1 DNA repair associated; minus strand). Cytogenetic location: 17q21.31.
Variant type: Insertion.
Coding change: c.1016_1017insC on transcript NM_007294.4 (MANE Select); coding-DNA positions 1016 to 1017, C inserted.
Protein change: p.Lys339fs; shifts the reading frame from lysine 339.
Molecular consequence: frameshift variant. On other transcripts: intron variant (137).
Genome position: GRCh38 VCF-style: chr17-43094514-C-CG. GRCh37 (hg19) VCF-style: chr17-41246531-C-CG.
Other names: 1135insC; c.1016_1017insC, p.Lys339fs (NM_001407596.1, NM_001407597.1, NM_001407598.1 and 30 more transcripts); c.1013_1014insC, p.Lys338fs (NM_001407610.1, NM_001407611.1, NM_001407612.1 and 22 more transcripts); c.1007_1008insC, p.Lys336fs (NM_001407646.1, NM_001407647.1); c.787+229_787+230insC (NM_001407974.1, NM_001407969.1, NM_001407968.1 and 19 more transcripts); c.577+229_577+230insC (NM_001408492.1, NM_001408513.1, NM_001408489.1 and 9 more transcripts); c.643+229_643+230insC (NM_001408468.1, NM_001408465.1, NM_001408463.1 and 3 more transcripts); c.523+229_523+230insC (NM_001408501.1, NM_001408500.1, NM_001408497.1 and 3 more transcripts); and 41 more; short protein forms K339fs, K292fs, K251fs, K268fs, K269fs, K312fs, K212fs, K272fs.
Identifiers: ClinVar variation 266130 (VCV000266130.6), dbSNP rs1555592653, ClinGen allele CA10589973.